The following is an entry in ClinVar:

ClinVar aggregate classification (germline): Uncertain significance (1 of 4 stars; one submission).

Submission:

Labcorp Genetics (formerly Invitae), Labcorp
Classification: Uncertain significance. Last evaluated: 2020-09-26. Review status: criteria provided, single submitter. Criteria: Invitae Variant Classification Sherloc (09022015). Collection method: clinical testing. Allele origin: germline.
Comment: This sequence change replaces glutamic acid with glycine at codon 630 of the GEN1 protein (p.Glu630Gly). The glutamic acid residue is weakly conserved and there is a moderate physicochemical difference between glutamic acid and glycine. This variant is not present in population databases (ExAC no frequency). This variant has not been reported in the literature in individuals with GEN1-related conditions. Algorithms developed to predict the effect of missense changes on protein structure and function output the following: SIFT: "Tolerated"; PolyPhen-2: "Benign"; Align-GVGD: "Class C0". The glycine amino acid residue is found in multiple mammalian species, suggesting that this missense change does not adversely affect protein function. These predictions have not been confirmed by published functional studies and their clinical significance is uncertain. In summary, the available evidence is currently insufficient to determine the role of this variant in disease. Therefore, it has been classified as a Variant of Uncertain Significance.

NM_001130009.3(GEN1):c.1889A>G (p.Glu630Gly)

Gene: GEN1 (GEN1 structure-specific endonuclease; plus strand). Cytogenetic location: 2p24.2.
Variant type: single nucleotide variant.
Coding change: c.1889A>G on transcript NM_001130009.3 (MANE Select); coding-DNA position 1889, A replaced by G.
Protein change: p.Glu630Gly; replaces glutamic acid 630 with glycine.
Molecular consequence: missense variant.
Genome position (GRCh38, 1-based): chr2:17,781,101, A>G. VCF-style: chr2-17781101-A-G. GRCh37 (hg19) VCF-style: chr2-17962368-A-G.
Other names: c.1889A>G, p.Glu630Gly (NM_182625.5); short protein forms E630G.
Identifiers: ClinVar variation 1002959 (VCV001002959.8), dbSNP rs1672807629, ClinGen allele CA345926850.
Genomic context (GRCh38, chr2:17,781,101, plus strand): 5'-TAAAATCAGAAGTTGAATCAGAGCTATCAGCCATCCCTGATGGCTTTGAAAATATCCCAG[A>G]ACAACTGTCCTGTGAATCAGAAAGGTACACTGCAAACATAAAGAAAGTGTTGGATGAGGA-3'
Protein context (NP_001123481.3, residues 620-640): AIPDGFENIP[Glu630Gly]QLSCESERYT